The following is an entry in ClinVar:

NM_001035.3(RYR2):c.13642G>C (p.Asp4548His)

Gene: RYR2 (ryanodine receptor 2; plus strand). Cytogenetic location: 1q43.
Variant type: single nucleotide variant.
Coding change: c.13642G>C on transcript NM_001035.3 (MANE Select); coding-DNA position 13642, G replaced by C.
Protein change: p.Asp4548His; replaces aspartic acid 4548 with histidine.
Molecular consequence: missense variant.
Genome position (GRCh38, 1-based): chr1:237,792,183, G>C. VCF-style: chr1-237792183-G-C. GRCh37 (hg19) VCF-style: chr1-237955483-G-C.
Other names: short protein forms D4548H.
Identifiers: ClinVar variation 3073937 (VCV003073937.1), dbSNP rs1658455793, ClinGen allele CA345417418.

ClinVar aggregate classification (germline): Uncertain significance (1 of 4 stars; one submission).

Conditions:
Catecholaminergic polymorphic ventricular tachycardia (CVPT). Also called: Catecholamine-induced polymorphic ventricular tachycardia. Identifiers: Orphanet 3286, MedGen C5574922, MONDO:0017990.

Allele frequency attached by ClinVar (database versions not stated): gnomAD exomes below 0.00001.
gnomAD v4.1: 1 of 1,613,306 alleles (0.000062%); highest among the groups gnomAD compares: Non-Finnish European, 0.000085%; no homozygotes.

Submission:

All of Us Research Program, National Institutes of Health
Classification: Uncertain significance for Catecholaminergic polymorphic ventricular tachycardia. Last evaluated: 2023-11-30. Review status: criteria provided, single submitter. Criteria: ACMG Guidelines, 2015. Collection method: clinical testing. Allele origin: germline. Inheritance: Autosomal dominant inheritance. Observed: 1 variant allele, 1 heterozygote.
Comment: This study involves interpretation of variants in research participants for the purpose of population health screening. Participant phenotype was not available at the time of variant classification. Additional details can be found in publication PMID: 35346344, PMCID: PMC8962531